The following is an entry in ClinVar:

NM_000487.6(ARSA):c.587T>A (p.Leu196Gln)

Gene: ARSA (arylsulfatase A; minus strand). Cytogenetic location: 22q13.33.
Variant type: single nucleotide variant.
Coding change: c.587T>A on transcript NM_000487.6 (MANE Select); coding-DNA position 587, T replaced by A.
Protein change: p.Leu196Gln; replaces leucine 196 with glutamine.
Molecular consequence: missense variant.
Genome position (GRCh38, 1-based): chr22:50,626,931, A>T on the plus strand (T>A on the coding strand, the complement: ARSA is on the minus strand). VCF-style: chr22-50626931-A-T. GRCh37 (hg19) VCF-style: chr22-51065359-A-T.
Other names: NP_000478.3:p.(Leu196Gln); c.587T>A, p.Leu196Gln (NM_001085425.3, NM_001085426.3, NM_001085427.3); c.329T>A, p.Leu110Gln (NM_001085428.3, NM_001362782.2); short protein forms L110Q, L196Q.
Identifiers: ClinVar variation 4850941 (VCV004850941.2).

ClinVar aggregate classification (germline): Uncertain significance (1 of 4 stars; one submission).

Conditions:
Metachromatic leukodystrophy (MLD). Also called: ARSA DEFICIENCY; CEREBROSIDE SULFATASE DEFICIENCY; METACHROMATIC LEUKOENCEPHALOPATHY; Cerebral sclerosis diffuse metachromatic form; Arylsulfatase A Deficiency; SULFATIDE LIPIDOSIS. Identifiers: Orphanet 512, MedGen C0023522, MONDO:0018868, OMIM 250100.

Submission:

Laboratory of Experimental Gene Therapy of Hereditary Metabolic Diseases, Research Centre for Medical Genetics
Classification: Uncertain significance for Metachromatic leukodystrophy. Last evaluated: 2026-09-17. Review status: criteria provided, single submitter. Criteria: ARSA MLD Assertion Criteria V2 2026 09 18. Collection method: clinical testing. Allele origin: germline. Inheritance: Autosomal recessive inheritance. Observed: 1 variant allele, 1 compound heterozygote.
Comment: Reassessed under ACMG/AMP 2015 with ClinGen SVI refinements and a Bayesian point framework (supporting=1, moderate=2, strong=4, very strong=8; 6-9 points=likely pathogenic; >=10 points=pathogenic). Final score: 1. Evidence applied: PM2_Supporting. Observations from the present referral series were excluded from classification.